The following is an entry in ClinVar:

NC_000023.10:g.(?_32429863)_(32867943_?)del

Gene: DMD (dystrophin; minus strand). Cytogenetic location: Xp21.1.
Variant type: Deletion.
Identifiers: ClinVar variation 1073606 (VCV001073606.7).

ClinVar aggregate classification (germline): Pathogenic (1 of 4 stars; one submission).

Conditions:
Duchenne muscular dystrophy (DMD). Also called: MUSCULAR DYSTROPHY, PSEUDOHYPERTROPHIC PROGRESSIVE, DUCHENNE TYPE; Duchenne Muscular Dystrophy (DMD). Identifiers: Orphanet 98896, MedGen C0013264, MONDO:0010679, OMIM 310200.

Submission:

Labcorp Genetics (formerly Invitae), Labcorp
Classification: Pathogenic for Duchenne muscular dystrophy. Last evaluated: 2021-08-12. Review status: criteria provided, single submitter. Criteria: Invitae Variant Classification Sherloc (09022015). Collection method: clinical testing. Allele origin: germline.
Comment: This variant is a gross deletion of the genomic region encompassing exon(s) 3-30 of the DMD gene. This variant would be expected to be in-frame, preserving the integrity of the reading frame. A similar copy number variant has been observed in individual(s) with Duchenne muscular dystrophy (PMID: 19937601). This variant disrupts a region of the DMD protein in which other variant(s) (deletion of exons 3-13) have been determined to be pathogenic (PMID: 7853367, 18974567, 21969337). This suggests that this is a clinically significant region of the protein, and that variants that disrupt it are likely to be disease-causing. For these reasons, this variant has been classified as Pathogenic.

Literature cited by the submitters: PubMed 19937601; PubMed 7853367; PubMed 18974567; PubMed 21969337.